The following is an entry in ClinVar:

NM_001389.5(DSCAM):c.5185+2T>A

Gene: DSCAM (DS cell adhesion molecule; minus strand). Cytogenetic location: 21q22.2.
Variant type: single nucleotide variant.
Coding change: c.5185+2T>A on transcript NM_001389.5 (MANE Select); the canonical splice donor site of the intron after coding-DNA position 5185, T replaced by A.
Molecular consequence: splice donor variant.
Genome position (GRCh38, 1-based): chr21:40,051,956, A>T on the plus strand (T>A on the coding strand, the complement: DSCAM is on the minus strand). VCF-style: chr21-40051956-A-T. GRCh37 (hg19) VCF-style: chr21-41423883-A-T.
Other names: c.5185+2T>A (NM_001271534.3).
Identifiers: ClinVar variation 4870106 (VCV004870106.1).

ClinVar aggregate classification (germline): Uncertain significance (1 of 4 stars; one submission).

Conditions:
Inborn genetic diseases. Identifiers: MedGen C0950123, MeSH D030342.

Submission:

Ambry Genetics
Classification: Uncertain significance for Inborn genetic diseases. Last evaluated: 2026-04-24. Review status: criteria provided, single submitter. Criteria: Ambry Variant Classification Scheme 2023. Collection method: clinical testing. Allele origin: germline.
Comment: The c.5185+2T>A intronic variant consists of a T to A substitution two nucleotides after exon 30 (coding exon 30) of the DSCAM gene. Variants that disrupt the canonical splice site are expected to result in aberrant splicing. The resulting transcript is predicted to be in-frame and is not expected to trigger nonsense-mediated mRNA decay, although direct evidence is unavailable. This variant was not reported in population-based cohorts in the Genome Aggregation Database (gnomAD). Based on insufficient or conflicting evidence, the clinical significance of this alteration remains unclear.